The following is an entry in ClinVar:

ClinVar aggregate classification (germline): Pathogenic (1 of 4 stars; one submission).

Submission:

Labcorp Genetics (formerly Invitae), Labcorp
Classification: Pathogenic. Last evaluated: 2023-10-28. Review status: criteria provided, single submitter. Criteria: Invitae Variant Classification Sherloc (09022015). Collection method: clinical testing. Allele origin: germline.
Comment: This sequence change creates a premature translational stop signal (p.Ser1299*) in the COL17A1 gene. It is expected to result in an absent or disrupted protein product. Loss-of-function variants in COL17A1 are known to be pathogenic (PMID: 16473856, 17344927, 20301304, 21357940, 24319098). This variant is not present in population databases (gnomAD no frequency). This variant has not been reported in the literature in individuals affected with COL17A1-related conditions. For these reasons, this variant has been classified as Pathogenic.

Literature cited by the submitters: PubMed 16473856; PubMed 17344927; PubMed 20301304; PubMed 21357940; PubMed 24319098.

NM_000494.4(COL17A1):c.3896C>G (p.Ser1299Ter)

Gene: COL17A1 (collagen type XVII alpha 1 chain; minus strand). Cytogenetic location: 10q25.1.
Variant type: single nucleotide variant.
Coding change: c.3896C>G on transcript NM_000494.4 (MANE Select); coding-DNA position 3896, C replaced by G.
Protein change: p.Ser1299Ter; replaces serine 1299 with a stop codon.
Molecular consequence: nonsense.
Genome position (GRCh38, 1-based): chr10:104,034,205, G>C on the plus strand (C>G on the coding strand, the complement: COL17A1 is on the minus strand). VCF-style: chr10-104034205-G-C. GRCh37 (hg19) VCF-style: chr10-105793963-G-C.
Other names: short protein forms S1299*.
Identifiers: ClinVar variation 2772397 (VCV002772397.3), dbSNP rs752418541, ClinGen allele CA378065529.